The following is an entry in ClinVar:

NM_005276.4(GPD1):c.850A>G (p.Ile284Val)

Gene: GPD1 (glycerol-3-phosphate dehydrogenase 1; plus strand). Cytogenetic location: 12q13.12.
Variant type: single nucleotide variant.
Coding change: c.850A>G on transcript NM_005276.4 (MANE Select); coding-DNA position 850, A replaced by G.
Protein change: p.Ile284Val; replaces isoleucine 284 with valine.
Molecular consequence: missense variant.
Genome position (GRCh38, 1-based): chr12:50,108,027, A>G. VCF-style: chr12-50108027-A-G. GRCh37 (hg19) VCF-style: chr12-50501810-A-G.
Other names: c.781A>G, p.Ile261Val (NM_001257199.2); c.850A>G (NM_005276.3); short protein forms I261V, I284V.
Identifiers: ClinVar variation 2148233 (VCV002148233.6), dbSNP rs148598781, ClinGen allele CA6561787.

ClinVar aggregate classification (germline): Benign. Review status: criteria provided, single submitter (1 of 4 stars). 2 submissions from 2 submitters: Benign (1). 1 of the submissions does not count toward it. Last evaluated 2025-08-12.

Conditions:
GPD1-related disorder. Also called: GPD1-related condition.

Allele frequency attached by ClinVar (database versions not stated): TOPMed 0.00014; gnomAD exomes 0.00025; gnomAD 0.00026; ExAC 0.00053; 1000 Genomes Project 30x 0.00125; 1000 Genomes Project 0.00160.
gnomAD v4.1: 389 of 1,605,490 alleles (0.024%); highest among the groups gnomAD compares: East Asian, 0.82%; 5 homozygotes.

Submissions (2):

Labcorp Genetics (formerly Invitae), Labcorp
Classification: Benign. Last evaluated: 2025-08-12. Review status: criteria provided, single submitter. Criteria: Invitae Variant Classification Sherloc (09022015). Collection method: clinical testing. Allele origin: germline.

PreventionGenetics, part of Exact Sciences
Classification: Likely benign for GPD1-related condition. Last evaluated: 2019-12-23. Review status: no assertion criteria provided. Collection method: clinical testing. Allele origin: germline. Not counted in ClinVar's aggregate classification.
Comment: This variant is classified as likely benign based on ACMG/AMP sequence variant interpretation guidelines (Richards et al. 2015 PMID: 25741868, with internal and published modifications).